The following is an entry in ClinVar:

ClinVar aggregate classification (germline): Pathogenic. Review status: criteria provided, multiple submitters, no conflicts (2 of 4 stars). 6 submissions from 6 submitters: Pathogenic (6). Last evaluated 2024-09-18.

Conditions:
Developmental and epileptic encephalopathy 94 (DEE94). Also called: CHD2-Related Neurodevelopmental Disorders; Epileptic encephalopathy, childhood-onset. Identifiers: Orphanet 1942, Orphanet 2382, MedGen C3809278, MONDO:0014150, OMIM 615369.
Intellectual disability. Also called: intellectual disabilities; Intellectual functioning disability; Intellectual developmental disorder. Identifiers: MedGen C3714756, MeSH D008607, MONDO:0001071, HP:0001249.

Submissions (6):

GeneDx
Classification: Pathogenic. Last evaluated: 2024-09-18. Review status: criteria provided, single submitter. Criteria: GeneDx Variant Classification Process June 2021. Collection method: clinical testing. Allele origin: germline. Affected: yes.
Comment: Nonsense variant predicted to result in protein truncation or nonsense mediated decay in a gene for which loss of function is a known mechanism of disease; Not observed at significant frequency in large population cohorts (gnomAD); This variant is associated with the following publications: (PMID: 23708187, 24207121, 39068850)

Fulgent Genetics
Classification: Pathogenic for Developmental and epileptic encephalopathy 94. Last evaluated: 2021-12-13. Review status: criteria provided, single submitter. Criteria: ACMG Guidelines, 2015. Collection method: clinical testing. Allele origin: unknown.

Athena Diagnostics
Classification: Pathogenic. Last evaluated: 2021-11-16. Review status: criteria provided, single submitter. Criteria: Athena Diagnostics Criteria. Collection method: clinical testing. Allele origin: unknown.
Comment: This variant is expected to result in the loss of a functional protein. This variant has not been reported in large, multi-ethnic general populations. This variant has been identified in at least one individual tested at Athena Diagnostics with clinical features associated with this gene.

Labcorp Genetics (formerly Invitae), Labcorp
Classification: Pathogenic for Developmental and epileptic encephalopathy 94. Last evaluated: 2020-10-09. Review status: criteria provided, single submitter. Criteria: Invitae Variant Classification Sherloc (09022015). Collection method: clinical testing. Allele origin: germline.
Comment: For these reasons, this variant has been classified as Pathogenic. Loss-of-function variants in CHD2 are known to be pathogenic (PMID: 23708187, 24207121). This variant has not been reported in the literature in individuals with CHD2-related conditions. This variant is not present in population databases (ExAC no frequency). This sequence change creates a premature translational stop signal (p.Arg846*) in the CHD2 gene. It is expected to result in an absent or disrupted protein product.

Cambridge Genomics Laboratory, East Genomic Laboratory Hub, NHS Genomic Medicine Service
Classification: Pathogenic for Intellectual disability. Last evaluated: 2019-11-08. Review status: criteria provided, single submitter. Criteria: ACGS Best Practice Guidelines for Variant Classification in Rare Disease 2020. Collection method: clinical testing. Allele origin: germline. Affected: yes. Observed: 1 variant allele.

Juno Genomics, Hangzhou Juno Genomics, Inc
Classification: Pathogenic for Developmental and epileptic encephalopathy 94. Review status: criteria provided, single submitter. Criteria: ACMG Guidelines, 2015. Collection method: clinical testing. Allele origin: germline. Affected: yes.
Comment: Absent from controls (or at extremely low frequency if recessive) in Genome Aggregation Database.;Null variant in a gene where loss of function (LOF) is a known mechanism of disease.;Assumed de novo, but without confirmation of paternity and maternity.

Literature cited by the submitters: PubMed 23708187 (cited by Labcorp Genetics (formerly Invitae), Labcorp); PubMed 24207121 (cited by Labcorp Genetics (formerly Invitae), Labcorp).

NM_001271.4(CHD2):c.2536C>T (p.Arg846Ter)

Gene: CHD2 (chromodomain helicase DNA binding protein 2; plus strand). Cytogenetic location: 15q26.1.
Variant type: single nucleotide variant.
Coding change: c.2536C>T on transcript NM_001271.4 (MANE Select); coding-DNA position 2536, C replaced by T.
Protein change: p.Arg846Ter; replaces arginine 846 with a stop codon.
Molecular consequence: nonsense.
Genome position (GRCh38, 1-based): chr15:92,974,909, C>T. VCF-style: chr15-92974909-C-T. GRCh37 (hg19) VCF-style: chr15-93518139-C-T.
Other names: short protein forms R846*.
Identifiers: ClinVar variation 1071676 (VCV001071676.11), dbSNP rs2141839141, ClinGen allele CA393893539.
Genomic context (GRCh38, chr15:92,974,909, plus strand): 5'-TTACAGTTTTCTTGTGGTTTATTTTTACAGCGTCTGGATGGTTCCATCAAGGGAGAAATC[C>T]GAAAACAGGCACTGGACCACTTCAATGCAGATGGGTCTGAGGTATACTATGCATGGCTTT-3'